The following is an entry in ClinVar:

ClinVar aggregate classification (germline): Likely benign (1 of 4 stars; one submission).

Allele frequency attached by ClinVar (database versions not stated): gnomAD exomes below 0.00001; TOPMed 0.00001.
gnomAD v4.1: 5 of 1,614,060 alleles (0.00031%); highest among the groups gnomAD compares: Middle Eastern, 0.016%; no homozygotes.

Submission:

Laboratorio de Genetica e Diagnostico Molecular, Hospital Israelita Albert Einstein
Classification: Likely benign. Last evaluated: 2020-03-28. Review status: criteria provided, single submitter. Criteria: ACMG Guidelines, 2015. Collection method: clinical testing. Allele origin: germline. Affected: yes.
Comment: ACMG classification criteria: PM2, BP1, BP4

NM_004446.3(EPRS1):c.2950G>A (p.Gly984Ser)

Gene: EPRS1 (glutamyl-prolyl-tRNA synthetase 1; minus strand). Cytogenetic location: 1q41.
Variant type: single nucleotide variant.
Coding change: c.2950G>A on transcript NM_004446.3 (MANE Select); coding-DNA position 2950, G replaced by A.
Protein change: p.Gly984Ser; replaces glycine 984 with serine.
Molecular consequence: missense variant.
Genome position (GRCh38, 1-based): chr1:219,987,230, C>T on the plus strand (G>A on the coding strand, the complement: EPRS1 is on the minus strand). VCF-style: chr1-219987230-C-T. GRCh37 (hg19) VCF-style: chr1-220160572-C-T.
Other names: short protein forms G984S.
Identifiers: ClinVar variation 1690848 (VCV001690848.2), dbSNP rs989450613, ClinGen allele CA37544342.
Genomic context (GRCh38, chr1:219,987,230, plus strand): 5'-CTCCTGCTCCACTTGATGAGAGCCCACCTCCTTGGTTTTTAGAAGGGTCTTTCCTTTGGC[C>T]ATCATTTTGTTTCTGAGGCTTATTCTGCTTTTCAGATTTATTTTCTTTTTCTTTCTTCTT-3'
Protein context (NP_004437.2, residues 974-994): KQNKPQKQND[Gly984Ser]QRKDPSKNQG